The following is an entry in ClinVar:

ClinVar aggregate classification (germline): Uncertain significance. Review status: criteria provided, multiple submitters, no conflicts (2 of 4 stars). 6 submissions from 6 submitters: Uncertain significance (5). 1 of the submissions does not count toward it. Last evaluated 2026-05-26.

Conditions:
PCDH15-related disorder. Also called: PCDH15-related condition; PCDH15-related disorders.
Usher syndrome type 1F (USH1F). Also called: USHER SYNDROME, TYPE IF. Identifiers: Orphanet 231169, Orphanet 886, MedGen C1865885, MONDO:0011186, OMIM 602083.
Inborn genetic diseases. Identifiers: MedGen C0950123, MeSH D030342.

Allele frequency attached by ClinVar (database versions not stated): gnomAD 0.00004 and 0.00005; ExAC 0.00005; TOPMed 0.00005; 1000 Genomes Project 30x 0.00016; 1000 Genomes Project 0.00020.
gnomAD v4.1: 61 of 1,614,040 alleles (0.0038%); highest among the groups gnomAD compares: Non-Finnish European, 0.0042%; no homozygotes.

Submissions (6):

GeneDx
Classification: Uncertain significance. Last evaluated: 2026-05-26. Review status: criteria provided, single submitter. Criteria: GeneDx Variant Classification Process June 2021. Collection method: clinical testing. Allele origin: germline.
Comment: In silico analysis supports that this missense variant has a deleterious effect on protein structure/function; Not observed at significant frequency in large population cohorts (gnomAD); Has not been previously published as pathogenic or benign to our knowledge

PreventionGenetics, part of Exact Sciences
Classification: Uncertain significance for PCDH15-related condition. Last evaluated: 2026-03-23. Review status: criteria provided, single submitter. Criteria: ACMG Guidelines, 2015. Collection method: clinical testing. Allele origin: germline.
Comment: The PCDH15 c.4048C>T variant is predicted to result in the amino acid substitution p.Arg1350Cys. To our knowledge, this variant has not been reported in the literature. This variant is present in 0.0062% of alleles in individuals of European (Non-Finnish) descent in gnomAD. At this time, the clinical significance of this variant is uncertain due to the absence of conclusive functional and genetic evidence.

Blueprint Genetics
Classification: Uncertain significance. Last evaluated: 2024-05-13. Review status: criteria provided, single submitter. Criteria: ACMG Guidelines, 2015. Collection method: clinical testing. Allele origin: germline.

Ambry Genetics
Classification: Uncertain significance for Inborn genetic diseases. Last evaluated: 2023-01-23. Review status: criteria provided, single submitter. Criteria: Ambry Variant Classification Scheme 2023. Collection method: clinical testing. Allele origin: germline.

Labcorp Genetics (formerly Invitae), Labcorp
Classification: Uncertain significance. Last evaluated: 2022-08-22. Review status: criteria provided, single submitter. Criteria: Invitae Variant Classification Sherloc (09022015). Collection method: clinical testing. Allele origin: germline.
Comment: This sequence change replaces arginine, which is basic and polar, with cysteine, which is neutral and slightly polar, at codon 1350 of the PCDH15 protein (p.Arg1350Cys). This variant is present in population databases (rs138398244, gnomAD 0.006%). This variant has not been reported in the literature in individuals affected with PCDH15-related conditions. ClinVar contains an entry for this variant (Variation ID: 840067). Algorithms developed to predict the effect of missense changes on protein structure and function are either unavailable or do not agree on the potential impact of this missense change (SIFT: "Deleterious"; PolyPhen-2: "Probably Damaging"; Align-GVGD: "Class C0"). In summary, the available evidence is currently insufficient to determine the role of this variant in disease. Therefore, it has been classified as a Variant of Uncertain Significance.

Natera, Inc.
Classification: Uncertain significance for Usher syndrome type 1F. Last evaluated: 2020-09-16. Review status: no assertion criteria provided. Collection method: clinical testing. Allele origin: germline. Not counted in ClinVar's aggregate classification.

NM_001384140.1(PCDH15):c.4048C>T (p.Arg1350Cys)

Gene: PCDH15 (protocadherin related 15; minus strand). Cytogenetic location: 10q21.1.
Variant type: single nucleotide variant.
Coding change: c.4048C>T on transcript NM_001384140.1 (MANE Select); coding-DNA position 4048, C replaced by T.
Protein change: p.Arg1350Cys; replaces arginine 1350 with cysteine.
Molecular consequence: missense variant.
Genome position (GRCh38, 1-based): chr10:53,831,469, G>A on the plus strand (C>T on the coding strand, the complement: PCDH15 is on the minus strand). VCF-style: chr10-53831469-G-A. GRCh37 (hg19) VCF-style: chr10-55591229-G-A.
Other names: c.4063C>T, p.Arg1355Cys (NM_001142763.2, NM_001142771.2); c.4048C>T, p.Arg1350Cys (NM_001142764.2, NM_001142766.2, NM_001142770.3 and 4 more transcripts); c.3835C>T, p.Arg1279Cys (NM_001142765.2); c.3937C>T, p.Arg1313Cys (NM_001142767.2); c.3982C>T, p.Arg1328Cys (NM_001142768.2, NM_001142773.2, NM_001354404.2); c.4084C>T, p.Arg1362Cys (NM_001142769.4); c.4069C>T, p.Arg1357Cys (NM_001354411.2); short protein forms R1350C, R1328C, R1355C, R1357C, R1362C, R1279C, R1313C.
Identifiers: ClinVar variation 840067 (VCV000840067.9), dbSNP rs138398244, ClinGen allele CA5505480.